The following is an entry in ClinVar:

NM_000222.3(KIT):c.1474A>G (p.Lys492Glu)

Gene: KIT (KIT proto-oncogene, receptor tyrosine kinase; plus strand). Cytogenetic location: 4q12.
Variant type: single nucleotide variant.
Coding change: c.1474A>G on transcript NM_000222.3 (MANE Select); coding-DNA position 1474, A replaced by G.
Protein change: p.Lys492Glu; replaces lysine 492 with glutamic acid.
Molecular consequence: missense variant.
Genome position (GRCh38, 1-based): chr4:54,725,984, A>G. VCF-style: chr4-54725984-A-G. GRCh37 (hg19) VCF-style: chr4-55592150-A-G.
Other names: c.1474A>G, p.Lys492Glu (NM_001093772.2, NM_001385285.1, NM_001385286.1); c.1477A>G, p.Lys493Glu (NM_001385284.1, NM_001385288.1, NM_001385290.1 and 1 more transcripts); short protein forms K492E, K493E.
Identifiers: ClinVar variation 2962455 (VCV002962455.4), dbSNP rs1722194291, ClinGen allele CA356906475.

ClinVar aggregate classification (germline): Uncertain significance. Review status: criteria provided, multiple submitters, no conflicts (2 of 4 stars). 2 submissions from 2 submitters: Uncertain significance (2). Last evaluated 2024-11-05.

Conditions:
Gastrointestinal stromal tumor. Also called: Gastrointestinal stromal tumor, somatic; Gastrointestinal stroma tumor. Identifiers: Orphanet 44890, MedGen C0238198, MeSH D046152, MONDO:0011719, OMIM 606764, HP:0100723.
Hereditary cancer-predisposing syndrome. Also called: Neoplastic Syndromes, Hereditary; Hereditary neoplastic syndrome; Tumor predisposition; Hereditary Cancer Syndrome. Identifiers: Orphanet 140162, MedGen C0027672, MeSH D009386, MONDO:0015356.

Allele frequency attached by ClinVar (database versions not stated): TOPMed below 0.00001.

Submissions (2):

Labcorp Genetics (formerly Invitae), Labcorp
Classification: Uncertain significance for Gastrointestinal stromal tumor. Last evaluated: 2024-11-05. Review status: criteria provided, single submitter. Criteria: Invitae Variant Classification Sherloc (09022015). Collection method: clinical testing. Allele origin: germline.
Comment: This sequence change replaces lysine, which is basic and polar, with glutamic acid, which is acidic and polar, at codon 492 of the KIT protein (p.Lys492Glu). This variant is not present in population databases (gnomAD no frequency). This variant has not been reported in the literature in individuals affected with KIT-related conditions. ClinVar contains an entry for this variant (Variation ID: 2962455). An algorithm developed to predict the effect of missense changes on protein structure and function (PolyPhen-2) suggests that this variant is likely to be tolerated. In summary, the available evidence is currently insufficient to determine the role of this variant in disease. Therefore, it has been classified as a Variant of Uncertain Significance.

Ambry Genetics
Classification: Uncertain significance for Hereditary cancer-predisposing syndrome. Last evaluated: 2023-10-06. Review status: criteria provided, single submitter. Criteria: Ambry Variant Classification Scheme 2023. Collection method: clinical testing. Allele origin: germline.
Comment: The p.K492E variant (also known as c.1474A>G), located in coding exon 9 of the KIT gene, results from an A to G substitution at nucleotide position 1474. The lysine at codon 492 is replaced by glutamic acid, an amino acid with similar properties. This amino acid position is conserved. In addition, this alteration is predicted to be tolerated by in silico analysis. Since supporting evidence is limited at this time, the clinical significance of this alteration remains unclear.